The following is an entry in ClinVar:

ClinVar aggregate classification (germline): Uncertain significance. Review status: criteria provided, multiple submitters, no conflicts (2 of 4 stars). 3 submissions from 3 submitters: Uncertain significance (3). Last evaluated 2022-12-14.

Conditions:
Junctional epidermolysis bullosa with pyloric atresia. Also called: EPIDERMOLYSIS BULLOSA, JUNCTIONAL 5B, WITH PYLORIC ATRESIA; Epidermolysis bullosa, junctional, with pyloric atresia and aplasia cutis congenita; Epidermolysis bullosa junctionalis with pyloric atresia; APLASIA CUTIS CONGENITA WITH GASTROINTESTINAL ATRESIA; CARMI SYNDROME; EB-PA-ACC. Identifiers: Orphanet 79403, MedGen C5676875, MONDO:0009183, OMIM 226730.
Epidermolysis bullosa, junctional 5A, intermediate. Also called: EPIDERMOLYSIS BULLOSA, JUNCTIONAL 5A, GENERALIZED INTERMEDIATE; EPIDERMOLYSIS BULLOSA, JUNCTIONAL 5A, NON-HERLITZ TYPE. Identifiers: MedGen C5676956, MONDO:0030768, OMIM 619816.
Inborn genetic diseases. Identifiers: MedGen C0950123, MeSH D030342.

Allele frequency attached by ClinVar (database versions not stated): gnomAD exomes 0.00001 and 0.00002; ExAC 0.00001.
gnomAD v4.1: 25 of 1,613,182 alleles (0.0015%); highest among the groups gnomAD compares: Non-Finnish European, 0.0021%; no homozygotes.

Submissions (3):

Ambry Genetics
Classification: Uncertain significance for Inborn genetic diseases. Last evaluated: 2022-12-14. Review status: criteria provided, single submitter. Criteria: Ambry Variant Classification Scheme 2023. Collection method: clinical testing. Allele origin: germline.

Fulgent Genetics
Classification: Uncertain significance for Junctional epidermolysis bullosa with pyloric atresia; Epidermolysis bullosa, junctional 5A, intermediate. Last evaluated: 2021-11-06. Review status: criteria provided, single submitter. Criteria: ACMG Guidelines, 2015. Collection method: clinical testing. Allele origin: unknown.

GeneDx
Classification: Uncertain significance. Last evaluated: 2019-10-01. Review status: criteria provided, single submitter. Criteria: GeneDx Variant Classification Process June 2021. Collection method: clinical testing. Allele origin: germline. Affected: yes.
Comment: Not observed at a significant frequency in large population cohorts (Lek et al., 2016); In silico analysis, which includes protein predictors and evolutionary conservation, supports a deleterious effect; Has not been previously published as pathogenic or benign to our knowledge

NM_000213.5(ITGB4):c.4841G>A (p.Gly1614Asp)

Genes: GALK1 (galactokinase 1; minus strand), ITGB4 (integrin subunit beta 4; plus strand). Cytogenetic location: 17q25.1.
Variant type: single nucleotide variant.
Coding change: c.4841G>A on transcript NM_000213.5 (MANE Select); coding-DNA position 4841, G replaced by A.
Protein change: p.Gly1614Asp; replaces glycine 1614 with aspartic acid.
Molecular consequence: missense variant. On other transcripts: intron variant (1).
Genome position (GRCh38, 1-based): chr17:75,756,561, G>A. VCF-style: chr17-75756561-G-A. GRCh37 (hg19) VCF-style: chr17-73752642-G-A.
Other names: c.4790G>A, p.Gly1597Asp (NM_001005619.2); c.4631G>A, p.Gly1544Asp (NM_001005731.3, NM_001321123.2); c.4481G>A, p.Gly1494Asp (NM_001438834.1); c.*22+1473C>T (NM_001381985.1); c.4631G>A (NM_001005731.1); short protein forms G1544D, G1597D, G1614D, G1494D.
Identifiers: ClinVar variation 1312428 (VCV001312428.8), dbSNP rs756507156, ClinGen allele CA8770335.